The following is an entry in ClinVar:

ClinVar aggregate classification (germline): Uncertain significance. Review status: criteria provided, multiple submitters, no conflicts (2 of 4 stars). 2 submissions from 2 submitters: Uncertain significance (2). Last evaluated 2024-05-21.

Conditions:
Hereditary cancer-predisposing syndrome. Also called: Neoplastic Syndromes, Hereditary; Tumor predisposition; Hereditary Cancer Syndrome; Hereditary neoplastic syndrome. Identifiers: Orphanet 140162, MedGen C0027672, MeSH D009386, MONDO:0015356.
Cardiovascular phenotype. Identifiers: MedGen CN230736.

gnomAD v4.1: 1 of 1,613,332 alleles (0.000062%); highest among the groups gnomAD compares: Non-Finnish European, 0.000085%; no homozygotes.

Submissions (2):

Labcorp Genetics (formerly Invitae), Labcorp
Classification: Uncertain significance. Last evaluated: 2024-05-21. Review status: criteria provided, single submitter. Criteria: Invitae Variant Classification Sherloc (09022015). Collection method: clinical testing. Allele origin: germline.
Comment: This sequence change replaces arginine, which is basic and polar, with leucine, which is neutral and non-polar, at codon 619 of the LZTR1 protein (p.Arg619Leu). This variant is present in population databases (rs568213908, gnomAD 0.0009%). This variant has not been reported in the literature in individuals affected with LZTR1-related conditions. ClinVar contains an entry for this variant (Variation ID: 1781412). Advanced modeling of protein sequence and biophysical properties (such as structural, functional, and spatial information, amino acid conservation, physicochemical variation, residue mobility, and thermodynamic stability) performed at Invitae indicates that this missense variant is not expected to disrupt LZTR1 protein function with a negative predictive value of 80%. In summary, the available evidence is currently insufficient to determine the role of this variant in disease. Therefore, it has been classified as a Variant of Uncertain Significance.

Ambry Genetics
Classification: Uncertain significance for Cardiovascular phenotype; Hereditary cancer-predisposing syndrome. Last evaluated: 2022-06-17. Review status: criteria provided, single submitter. Criteria: Ambry Variant Classification Scheme 2023. Collection method: clinical testing. Allele origin: germline.
Comment: The p.R619L variant (also known as c.1856G>T), located in coding exon 16 of the LZTR1 gene, results from a G to T substitution at nucleotide position 1856. The arginine at codon 619 is replaced by leucine, an amino acid with dissimilar properties. This amino acid position is not well conserved in available vertebrate species. In addition, this alteration is predicted to be tolerated by in silico analysis. Since supporting evidence is limited at this time, the clinical significance of this alteration remains unclear.

NM_006767.4(LZTR1):c.1856G>T (p.Arg619Leu)

Gene: LZTR1 (leucine zipper like post translational regulator 1; plus strand). Cytogenetic location: 22q11.21.
Variant type: single nucleotide variant.
Coding change: c.1856G>T on transcript NM_006767.4 (MANE Select); coding-DNA position 1856, G replaced by T.
Protein change: p.Arg619Leu; replaces arginine 619 with leucine.
Molecular consequence: missense variant.
Genome position (GRCh38, 1-based): chr22:20,994,940, G>T. VCF-style: chr22-20994940-G-T. GRCh37 (hg19) VCF-style: chr22-21349229-G-T.
Other names: short protein forms R619L.
Identifiers: ClinVar variation 1781412 (VCV001781412.4), dbSNP rs568213908, ClinGen allele CA10119091.